The following is an entry in ClinVar:

ClinVar aggregate classification (germline): Uncertain significance (1 of 4 stars; one submission).

Submission:

Labcorp Genetics (formerly Invitae), Labcorp
Classification: Uncertain significance. Last evaluated: 2022-03-24. Review status: criteria provided, single submitter. Criteria: Invitae Variant Classification Sherloc (09022015). Collection method: clinical testing. Allele origin: germline.
Comment: In summary, the available evidence is currently insufficient to determine the role of this variant in disease. Therefore, it has been classified as a Variant of Uncertain Significance. Advanced modeling of protein sequence and biophysical properties (such as structural, functional, and spatial information, amino acid conservation, physicochemical variation, residue mobility, and thermodynamic stability) performed at Invitae indicates that this missense variant is not expected to disrupt CFI protein function. This variant has not been reported in the literature in individuals affected with CFI-related conditions. This variant is not present in population databases (gnomAD no frequency). This sequence change replaces isoleucine, which is neutral and non-polar, with valine, which is neutral and non-polar, at codon 335 of the CFI protein (p.Ile335Val).

NM_000204.5(CFI):c.1003A>G (p.Ile335Val)

Gene: CFI (complement factor I; minus strand). Cytogenetic location: 4q25.
Variant type: single nucleotide variant.
Coding change: c.1003A>G on transcript NM_000204.5 (MANE Select); coding-DNA position 1003, A replaced by G.
Protein change: p.Ile335Val; replaces isoleucine 335 with valine.
Molecular consequence: missense variant. On other transcripts: non-coding transcript variant (3).
Genome position (GRCh38, 1-based): chr4:109,749,540, T>C on the plus strand (A>G on the coding strand, the complement: CFI is on the minus strand). VCF-style: chr4-109749540-T-C. GRCh37 (hg19) VCF-style: chr4-110670696-T-C.
Other names: c.982A>G, p.Ile328Val (NM_001375280.1, NM_001375282.1, NM_001331035.2); c.1003A>G, p.Ile335Val (NM_001375281.1, NM_001375279.1); c.946A>G, p.Ile316Val (NM_001375283.1); c.394A>G, p.Ile132Val (NM_001375284.1); c.1027A>G, p.Ile343Val (NM_001318057.2, NM_001375278.1); short protein forms I132V, I316V, I335V, I343V, I328V.
Identifiers: ClinVar variation 2116571 (VCV002116571.4), dbSNP rs2545387772, ClinGen allele CA357859077.